The following is an entry in ClinVar:

NM_000371.4(TTR):c.293A>T (p.Tyr98Phe)

Gene: TTR (transthyretin; plus strand). Cytogenetic location: 18q12.1.
Variant type: single nucleotide variant.
Coding change: c.293A>T on transcript NM_000371.4 (MANE Select); coding-DNA position 293, A replaced by T.
Protein change: p.Tyr98Phe; replaces tyrosine 98 with phenylalanine.
Molecular consequence: missense variant.
Genome position (GRCh38, 1-based): chr18:31,595,212, A>T. VCF-style: chr18-31595212-A-T. GRCh37 (hg19) VCF-style: chr18-29175175-A-T.
Other names: p.Tyr78Phe; short protein forms Y98F.
Identifiers: ClinVar variation 1294424 (VCV001294424.12), dbSNP rs958191819, ClinGen allele CA297739131.
Genomic context (GRCh38, chr18:31,595,212, plus strand): 5'-TCACAACTGAGGAGGAATTTGTAGAAGGGATATACAAAGTGGAAATAGACACCAAATCTT[A>T]CTGGAAGGCACTTGGCATCTCCCCATTCCATGAGCATGCAGAGGTGAGTATACAGACCTT-3'
Protein context (NP_000362.1, residues 88-108): IYKVEIDTKS[Tyr98Phe]WKALGISPFH

ClinVar aggregate classification (germline): Pathogenic/Likely pathogenic. Review status: criteria provided, multiple submitters, no conflicts (2 of 4 stars). 4 submissions from 4 submitters: Pathogenic (2); Likely pathogenic (2). Last evaluated 2026-03-19.

Conditions:
Cardiovascular phenotype. Identifiers: MedGen CN230736.
Amyloidosis, hereditary systemic 1 (AMYLD1). Also called: Familial amyloid polyneuropathy; Transthyretin Amyloidosis; Hereditary oculoleptomeningeal amyloid angiopathy; Familial Transthyretin Amyloidosis; Hereditary Transthyretin Amyloidosis; AMYLOID CARDIOMYOPATHY. Identifiers: Orphanet 85447, Orphanet 85451, MedGen C2751492, MONDO:0971004, OMIM 105210.

Allele frequency attached by ClinVar (database versions not stated): gnomAD 0.00001; gnomAD exomes below 0.00001; TOPMed 0.00001.
gnomAD v4.1: 3 of 1,614,036 alleles (0.00019%); highest among the groups gnomAD compares: East Asian, 0.0022%; no homozygotes.

Submissions (4):

Ambry Genetics
Classification: Likely pathogenic for Cardiovascular phenotype. Last evaluated: 2026-03-19. Review status: criteria provided, single submitter. Criteria: Ambry Variant Classification Scheme 2023. Collection method: clinical testing. Allele origin: germline.
Comment: The p.Y98F variant (also known as c.293A>T), located in coding exon 3 of the TTR gene, results from an A to T substitution at nucleotide position 293. The tyrosine at codon 98 is replaced by phenylalanine, an amino acid with highly similar properties. This variant was reported in individual(s) with features consistent with transthyretin-related amyloidosis (Magy N et al. Amyloid, 2003 Mar;10:29-33; Riboldi G et al. Case Rep Neurol, 2011 Feb;3:62-8; Rapezzi C et al. Eur Heart J, 2013 Feb;34:520-8; Luigetti M et al. Brain Sci, 2020 Oct;10:; Beard E et al. Eur Heart J, 2024 Jun;45:2170). Note, this variant is also referred to as p.Y78F in the literature. This amino acid position is highly conserved in available vertebrate species. In addition, this alteration is predicted to be deleterious by in silico analysis. This variant is considered to be rare based on population cohorts in the Genome Aggregation Database (gnomAD). Based on the majority of available evidence to date, this variant is likely to be pathogenic.

Labcorp Genetics (formerly Invitae), Labcorp
Classification: Pathogenic for Amyloidosis, hereditary systemic 1. Last evaluated: 2025-04-18. Review status: criteria provided, single submitter. Criteria: Invitae Variant Classification Sherloc (09022015). Collection method: clinical testing. Allele origin: germline.
Comment: This sequence change replaces tyrosine, which is neutral and polar, with phenylalanine, which is neutral and non-polar, at codon 98 of the TTR protein (p.Tyr98Phe). This variant is not present in population databases (gnomAD no frequency). This missense change has been observed in individual(s) with hereditary transthyretin-mediated amyloidosis (hATTR amyloidosis) (PMID: 12762139, 21490715, 22745357, 30604309). This variant is also known as p.Tyr78Phe. ClinVar contains an entry for this variant (Variation ID: 1294424). Invitae Evidence Modeling of protein sequence and biophysical properties (such as structural, functional, and spatial information, amino acid conservation, physicochemical variation, residue mobility, and thermodynamic stability) indicates that this missense variant is expected to disrupt TTR protein function with a positive predictive value of 95%. Experimental studies are conflicting or provide insufficient evidence to determine the effect of this variant on TTR function (PMID: 17503405). For these reasons, this variant has been classified as Pathogenic.

GeneDx
Classification: Likely pathogenic. Last evaluated: 2023-09-22. Review status: criteria provided, single submitter. Criteria: GeneDx Variant Classification Process June 2021. Collection method: clinical testing. Allele origin: germline. Affected: yes.
Comment: Functional studies demonstrate altered monomer stability and increased amyloid formation; this variant is commonly used to test the effectiveness of potential anti-amyloidogenesis compounds (Redondo et al., 2000; Almeida et al., 2004; Terazaki et al., 2006; Altland et al., 2007; Ferreira et al., 2009; Dess et al., 2020); Not observed at significant frequency in large population cohorts (gnomAD); In silico analysis supports that this missense variant has a deleterious effect on protein structure/function; Also known as p.(Y78F); This variant is associated with the following publications: (PMID: 16357867, 18295603, 32397334, 18776590, 11090287, 21740906, 19861125, 15080795, 22745357, 12762139, 21490715, 30350904, 11545098, 30604309, 14640030, 25604431, 33114611, 34410494, 17503405)

Breda Genetics srl
Classification: Pathogenic for Amyloidosis, hereditary systemic 1. Last evaluated: 2021-07-26. Review status: criteria provided, single submitter. Criteria: ACMG Guidelines, 2015. Collection method: clinical testing. Allele origin: paternal. Inheritance: Autosomal dominant inheritance. Affected: yes. Observed: 1 variant allele, 1 heterozygote.
Comment: The variant c.293A>T (p.Tyr78Phe) in the TTR gene, also known as c.293A>T (p.Tyr98Phe) is reported as pathogenic in the Global Variome shared LOVD v.3.0 database. There is no frequency information in the gnomAD database. The nucleotide position is highly conserved in 35 mammal species (GERP RS: 5.54). The patient presented with distal limb paralysis, atrophy, carpal tunnel and other systemic multiorgan defects such as renal malfunction, cardiac fibrillation and cataracts (PMID:21490715). Curiously, as argued by Tini et al. (2018), although the variant does not have a frequency in population databases, it seems to have a predominantly Italian geographical location (4 patients have been reported in the literature, two of which of Italian origin and two deriving from Italian studies and presumably Italian) (PMID:30604309 ).

Literature cited by the submitters: PubMed 12762139 (cited by 3 submitters); PubMed 17503405 (cited by Ambry Genetics and Labcorp Genetics (formerly Invitae), Labcorp); PubMed 21490715 (cited by 3 submitters); PubMed 22745357 (cited by Ambry Genetics and Labcorp Genetics (formerly Invitae), Labcorp); PubMed 33114611 (cited by Ambry Genetics); PubMed 38427778 (cited by Ambry Genetics); PubMed 30604309 (cited by Labcorp Genetics (formerly Invitae), Labcorp and Breda Genetics srl).